The following is an entry in ClinVar:

ClinVar aggregate classification (germline): Uncertain significance (1 of 4 stars; one submission).

Conditions:
Long QT syndrome (LQTS). Identifiers: MedGen C0023976, MeSH D008133, MONDO:0002442. Disease mechanism: loss of function. Inheritance: Various modes of inheritance.

Submission:

Labcorp Genetics (formerly Invitae), Labcorp
Classification: Uncertain significance for Long QT syndrome. Last evaluated: 2018-10-18. Review status: criteria provided, single submitter. Criteria: Invitae Variant Classification Sherloc (09022015). Collection method: clinical testing. Allele origin: germline.
Comment: This variant is not present in population databases (ExAC no frequency). In summary, the available evidence is currently insufficient to determine the role of this variant in disease. Therefore, it has been classified as a Variant of Uncertain Significance. Algorithms developed to predict the effect of missense changes on protein structure and function (SIFT, PolyPhen-2, Align-GVGD) all suggest that this variant is likely to be tolerated, but these predictions have not been confirmed by published functional studies and their clinical significance is uncertain. This variant has not been reported in the literature in individuals with AKAP9-related disease. ClinVar contains an entry for this variant (Variation ID: 457094). This sequence change replaces histidine with glutamine at codon 88 of the AKAP9 protein (p.His88Gln). The histidine residue is weakly conserved and there is a small physicochemical difference between histidine and glutamine.

NM_005751.5(AKAP9):c.264T>G (p.His88Gln)

Gene: AKAP9 (A-kinase anchoring protein 9; plus strand). Cytogenetic location: 7q21.2.
Variant type: single nucleotide variant.
Coding change: c.264T>G on transcript NM_005751.5 (MANE Select); coding-DNA position 264, T replaced by G.
Protein change: p.His88Gln; replaces histidine 88 with glutamine.
Molecular consequence: missense variant.
Genome position (GRCh38, 1-based): chr7:91,973,926, T>G. VCF-style: chr7-91973926-T-G. GRCh37 (hg19) VCF-style: chr7-91603240-T-G.
Other names: c.264T>G, p.His88Gln (NM_147185.3); short protein forms H88Q.
Identifiers: ClinVar variation 457094 (VCV000457094.9), dbSNP rs1554389115, ClinGen allele CA368118825.